The following is an entry in ClinVar:

NM_000069.3(CACNA1S):c.4850C>A (p.Ser1617Tyr)

Gene: CACNA1S (calcium voltage-gated channel subunit alpha1 S; minus strand). Cytogenetic location: 1q32.1.
Variant type: single nucleotide variant.
Coding change: c.4850C>A on transcript NM_000069.3 (MANE Select); coding-DNA position 4850, C replaced by A.
Protein change: p.Ser1617Tyr; replaces serine 1617 with tyrosine.
Molecular consequence: missense variant.
Genome position (GRCh38, 1-based): chr1:201,043,479, G>T on the plus strand (C>A on the coding strand, the complement: CACNA1S is on the minus strand). VCF-style: chr1-201043479-G-T. GRCh37 (hg19) VCF-style: chr1-201012607-G-T.
Other names: c.4850C>A (NM_000069.2); short protein forms S1617Y.
Identifiers: ClinVar variation 2039818 (VCV002039818.9), dbSNP rs1313984683, ClinGen allele CA344137438.

ClinVar aggregate classification (germline): Conflicting classifications of pathogenicity. Review status: criteria provided, conflicting classifications (1 of 4 stars). 5 submissions from 5 submitters: Uncertain significance (4); Likely benign (1). Last evaluated 2026-09-01.

Conditions:
Malignant hyperthermia, susceptibility to, 5 (MHS5). Also called: CACNA1S-Related Malignant Hyperthermia Susceptibility. Identifiers: Orphanet 423, MedGen C1866077, MONDO:0011163, OMIM 601887.
Hypokalemic periodic paralysis, type 1. Also called: HypoPP; Hypokalemic Periodic Paralysis Type 1 (AD). Identifiers: Orphanet 681, MedGen C3714580, MONDO:0042979, OMIM 170400.
Congenital myopathy 18. Also called: Myopathy, congenital, due to dihydropyridine receptor defect; DIHYDROPYRIDINE RECEPTOR CONGENITAL MYOPATHY; DHPR CONGENITAL MYOPATHY. Identifiers: MedGen C5830283, MONDO:0859514, OMIM 620246.
Thyrotoxic periodic paralysis, susceptibility to, 1 (TTPP1). Identifiers: Orphanet 79102, MedGen C2749982, MONDO:0008570, OMIM 188580.
Inborn genetic diseases. Identifiers: MedGen C0950123, MeSH D030342.

Allele frequency attached by ClinVar (database versions not stated): TOPMed 0.00001; gnomAD 0.00002.

Submissions (5):

CeGaT Center for Human Genetics Tuebingen
Classification: Uncertain significance. Last evaluated: 2026-09-01. Review status: criteria provided, single submitter. Criteria: CeGaT Center For Human Genetics Tuebingen Variant Classification Criteria Version 2. Collection method: clinical testing. Allele origin: germline. Affected: yes. Observed: 1 variant allele.
Comment: CACNA1S: PM2

Ambry Genetics
Classification: Uncertain significance for Inborn genetic diseases. Last evaluated: 2026-07-07. Review status: criteria provided, single submitter. Criteria: Ambry Variant Classification Scheme 2023. Collection method: clinical testing. Allele origin: germline.
Comment: The p.S1617Y variant (also known as c.4850C>A), located in coding exon 40 of the CACNA1S gene, results from a C to A substitution at nucleotide position 4850. The serine at codon 1617 is replaced by tyrosine, an amino acid with dissimilar properties. This amino acid position is conserved. In addition, the in silico prediction for this alteration is inconclusive. Based on the available evidence, the clinical significance of this variant remains unclear.

Color Diagnostics, LLC DBA Color Health
Classification: Uncertain significance for Malignant hyperthermia, susceptibility to, 5. Last evaluated: 2025-07-07. Review status: criteria provided, single submitter. Criteria: ACMG Guidelines, 2015. Collection method: clinical testing. Allele origin: germline.
Comment: This missense variant replaces serine with tyrosine at codon 1617 of the CACNA1S protein. Computational prediction suggests that this variant may not impact protein structure and function. To our knowledge, functional studies have not been reported for this variant. This variant has not been reported in individuals affected with CACNA1S-related disorders in the literature. This variant has been identified in 1/251310 chromosomes in the general population by the Genome Aggregation Database (gnomAD). The available evidence is insufficient to determine the role of this variant in disease conclusively. Therefore, this variant is classified as a Variant of Uncertain Significance.

Labcorp Genetics (formerly Invitae), Labcorp
Classification: Likely benign for Hypokalemic periodic paralysis, type 1; Malignant hyperthermia, susceptibility to, 5. Last evaluated: 2025-06-12. Review status: criteria provided, single submitter. Criteria: Invitae Variant Classification Sherloc (09022015). Collection method: clinical testing. Allele origin: germline.

Fulgent Genetics
Classification: Uncertain significance for Hypokalemic periodic paralysis, type 1; Thyrotoxic periodic paralysis, susceptibility to, 1; Malignant hyperthermia, susceptibility to, 5; Congenital myopathy 18. Last evaluated: 2024-01-02. Review status: criteria provided, single submitter. Criteria: ACMG Guidelines, 2015. Collection method: clinical testing. Allele origin: germline.